The following is an entry in ClinVar:

NM_000465.4(BARD1):c.420_421delinsTT (p.Lys140_Asn141delinsAsnTyr)

Gene: BARD1 (BRCA1 associated RING domain 1; minus strand). Cytogenetic location: 2q35.
Variant type: Indel.
Coding change: c.420_421delinsTT on transcript NM_000465.4 (MANE Select); coding-DNA positions 420 to 421, GA replaced by TT.
Protein change: p.Lys140_Asn141delinsAsnTyr.
Molecular consequence: missense variant. On other transcripts: non-coding transcript variant (2), intron variant (3).
Genome position (GRCh38, 1-based): chr2:214,781,453-214,781,454, TC replaced by AA on the plus strand (GA replaced by TT on the coding strand, the reverse complement: BARD1 is on the minus strand). VCF-style: chr2-214781453-TC-AA. GRCh37 (hg19) VCF-style: chr2-215646177-TC-AA.
Other names: c.363_364delinsTT, p.Lys121_Asn122delinsAsnTyr (NM_001282543.2); c.158+27958_158+27959delinsTT (NM_001282548.2); c.215+15607_215+15608delinsTT (NM_001282545.2); c.364+10843_364+10844delinsTT (NM_001282549.2).
Identifiers: ClinVar variation 1738653 (VCV001738653.7), dbSNP rs2469513851, ClinGen allele CA2580065709.
Genomic context (GRCh38, chr2:214,781,453, plus strand): 5'-CTTTACTCACAACATATCTGACTTTCTTACTTCGAGGGCTAAACCACATTTTAATTGAAT[TC>AA]TTCTTGTTTCCTGCATCATTAAACAAACTTTTCCTAGGTTTATCTTCTTTCAAATCTGAC-3'

ClinVar aggregate classification (germline): Uncertain significance. Review status: criteria provided, multiple submitters, no conflicts (2 of 4 stars). 2 submissions from 2 submitters: Uncertain significance (2). Last evaluated 2024-09-18.

Conditions:
Hereditary cancer-predisposing syndrome. Also called: Hereditary Cancer Syndrome; Hereditary neoplastic syndrome; Neoplastic Syndromes, Hereditary; Tumor predisposition. Identifiers: Orphanet 140162, MedGen C0027672, MeSH D009386, MONDO:0015356.
Familial cancer of breast. Also called: Hereditary breast cancer; BREAST CANCER, FAMILIAL; hereditary breast carcinoma. Identifiers: Orphanet 227535, MedGen C0346153, MONDO:0016419, OMIM 114480. Disease mechanism: loss of function.

Submissions (2):

Labcorp Genetics (formerly Invitae), Labcorp
Classification: Uncertain significance for Familial cancer of breast. Last evaluated: 2024-09-18. Review status: criteria provided, single submitter. Criteria: Invitae Variant Classification Sherloc (09022015). Collection method: clinical testing. Allele origin: germline.
Comment: This variant, c.420_421delinsTT, is a complex sequence change that results in the deletion of 2 and insertion of 2 amino acid(s) in the BARD1 protein (p.Lys140_Asn141delinsAsnTyr). Information on the frequency of this variant in the gnomAD database is not available, as this variant may be reported differently in the database. This variant has not been reported in the literature in individuals affected with BARD1-related conditions. ClinVar contains an entry for this variant (Variation ID: 1738653). Experimental studies and prediction algorithms are not available or were not evaluated, and the functional significance of this variant is currently unknown. In summary, the available evidence is currently insufficient to determine the role of this variant in disease. Therefore, it has been classified as a Variant of Uncertain Significance.

Ambry Genetics
Classification: Uncertain significance for Hereditary cancer-predisposing syndrome. Last evaluated: 2022-10-08. Review status: criteria provided, single submitter. Criteria: Ambry Variant Classification Scheme 2023. Collection method: clinical testing. Allele origin: germline.
Comment: The c.420_421delGAinsTT variant (also known as p.K140_N141delinsNY), located in coding exon 4 of the BARD1 gene, results from an in-frame deletion of GA and insertion of TT at nucleotide positions 420 to 421. This results in the substitution of lysine and asparagine residues for asparagine and tyrosine residues at codon 140 and 141. These amino acid positions are well conserved through mammals. In addition, the in silico prediction for this alteration is inconclusive (Choi Y et al. PLoS ONE. 2012; 7(10):e46688). Since supporting evidence is limited at this time, the clinical significance of this alteration remains unclear.